The following is an entry in ClinVar:

ClinVar aggregate classification (germline): Conflicting classifications of pathogenicity. Review status: criteria provided, conflicting classifications (1 of 4 stars). 4 submissions from 4 submitters: Pathogenic (1); Uncertain significance (3). Last evaluated 2024-08-05.

Conditions:
Myofibrillar myopathy 5. Also called: Filaminopathy (type); FILAMINOPATHY, AUTOSOMAL DOMINANT. Identifiers: Orphanet 171445, MedGen C1836050, MONDO:0012289, OMIM 609524.
Distal myopathy with posterior leg and anterior hand involvement. Also called: WILLIAMS DISTAL MYOPATHY. Identifiers: Orphanet 63273, MedGen C3279722, MONDO:0013550, OMIM 614065.
Hypertrophic cardiomyopathy 26. Also called: Cardiomyopathy, familial hypertrophic, 26. Identifiers: Orphanet 75249, MedGen C4310749, MONDO:0014883, OMIM 617047.
FLNC-related disorder. Also called: FLNC-related disorders; FLNC-related condition.
Cardiovascular phenotype. Identifiers: MedGen CN230736.

Submissions (4):

GeneDx
Classification: Pathogenic. Last evaluated: 2024-08-05. Review status: criteria provided, single submitter. Criteria: GeneDx Variant Classification Process June 2021. Collection method: clinical testing. Allele origin: germline. Affected: yes.
Comment: Not observed at significant frequency in large population cohorts (gnomAD); Has not been previously published as pathogenic or benign to our knowledge

Labcorp Genetics (formerly Invitae), Labcorp
Classification: Uncertain significance for Distal myopathy with posterior leg and anterior hand involvement; Myofibrillar myopathy 5; Hypertrophic cardiomyopathy 26. Last evaluated: 2024-03-13. Review status: criteria provided, single submitter. Criteria: Invitae Variant Classification Sherloc (09022015). Collection method: clinical testing. Allele origin: germline.
Comment: This sequence change replaces arginine, which is basic and polar, with tryptophan, which is neutral and slightly polar, at codon 2340 of the FLNC protein (p.Arg2340Trp). This variant is not present in population databases (gnomAD no frequency). This variant has not been reported in the literature in individuals affected with FLNC-related conditions. ClinVar contains an entry for this variant (Variation ID: 1384241). Advanced modeling of protein sequence and biophysical properties (such as structural, functional, and spatial information, amino acid conservation, physicochemical variation, residue mobility, and thermodynamic stability) performed at Invitae indicates that this missense variant is not expected to disrupt FLNC protein function with a negative predictive value of 95%. In summary, the available evidence is currently insufficient to determine the role of this variant in disease. Therefore, it has been classified as a Variant of Uncertain Significance.

PreventionGenetics, part of Exact Sciences
Classification: Uncertain significance for FLNC-related condition. Last evaluated: 2023-04-25. Review status: criteria provided, single submitter. Criteria: ACMG Guidelines, 2015. Collection method: clinical testing. Allele origin: germline.
Comment: The FLNC c.7018C>T variant is predicted to result in the amino acid substitution p.Arg2340Trp. This variant was reported in an individual with hypertrophic cardiomyopathy and left ventricular hypertrabeculation. Functional studies showed that this variant does not alter subcellular localization of the FLNC protein (Bermúdez-Jiménez et al. 2023. PubMed ID: 35952944). This variant has not been reported in a large population database, indicating this variant is rare. At this time, the clinical significance of this variant is uncertain due to the absence of conclusive functional and genetic evidence.

Ambry Genetics
Classification: Uncertain significance for Cardiovascular phenotype. Last evaluated: 2019-07-31. Review status: criteria provided, single submitter. Criteria: Ambry Variant Classification Scheme 2023. Collection method: clinical testing. Allele origin: germline.
Comment: The p.R2340W variant (also known as c.7018C>T), located in coding exon 42 of the FLNC gene, results from a C to T substitution at nucleotide position 7018. The arginine at codon 2340 is replaced by tryptophan, an amino acid with dissimilar properties. This amino acid position is highly conserved in available vertebrate species. In addition, this alteration is predicted to be deleterious by in silico analysis. Since supporting evidence is limited at this time, the clinical significance of this alteration remains unclear.

NM_001458.5(FLNC):c.7018C>T (p.Arg2340Trp)

Genes: FLNC (filamin C; plus strand), FLNC-AS1 (FLNC antisense RNA 1; minus strand). Cytogenetic location: 7q32.1.
Variant type: single nucleotide variant.
Coding change: c.7018C>T on transcript NM_001458.5 (MANE Select); coding-DNA position 7018, C replaced by T.
Protein change: p.Arg2340Trp; replaces arginine 2340 with tryptophan.
Molecular consequence: missense variant.
Genome position (GRCh38, 1-based): chr7:128,854,795, C>T. VCF-style: chr7-128854795-C-T. GRCh37 (hg19) VCF-style: chr7-128494849-C-T.
Other names: c.6919C>T, p.Arg2307Trp (NM_001127487.2); short protein forms R2307W, R2340W.
Identifiers: ClinVar variation 1384241 (VCV001384241.10), dbSNP rs2128939610, ClinGen allele CA369214936.